The following is an entry in ClinVar:

NM_003128.3(SPTBN1):c.148+32323T>C

Gene: SPTBN1 (spectrin beta, non-erythrocytic 1; plus strand). Cytogenetic location: 2p16.2.
Variant type: single nucleotide variant.
Coding change: c.148+32323T>C on transcript NM_003128.3 (MANE Select); 32323 bases into the intron after coding-DNA position 148, T replaced by C.
Molecular consequence: intron variant. On other transcripts: splice donor variant (1).
Genome position (GRCh38, 1-based): chr2:54,558,889, T>C. VCF-style: chr2-54558889-T-C. GRCh37 (hg19) VCF-style: chr2-54786026-T-C.
Other names: c.109+2T>C (NM_178313.3).
Identifiers: ClinVar variation 3346678 (VCV003346678.1).

ClinVar aggregate classification (germline): Uncertain significance (0 of 4 stars; one submission).

Conditions:
SPTBN1-related disorder. Also called: SPTBN1-related condition.

Submission:

PreventionGenetics, part of Exact Sciences
Classification: Uncertain significance for SPTBN1-related condition. Last evaluated: 2024-05-17. Review status: no assertion criteria provided. Collection method: clinical testing. Allele origin: germline.
Comment: The SPTBN1 c.109+2T>C variant is predicted to disrupt the GT donor site and interfere with normal splicing. This variant is referred to as a deep intronic variant c.148+32323T>C with the primary transcript NM_003128. To our knowledge, this variant has not been reported in the literature or in a large population database, indicating this variant is rare. At this time, the clinical significance of this variant is uncertain due to the absence of conclusive functional and genetic evidence.